The following is an entry in ClinVar:

NM_000543.5(SMPD1):c.1451C>G (p.Ala484Gly)

Gene: SMPD1 (sphingomyelin phosphodiesterase 1; plus strand). Cytogenetic location: 11p15.4.
Variant type: single nucleotide variant.
Coding change: c.1451C>G on transcript NM_000543.5 (MANE Select); coding-DNA position 1451, C replaced by G.
Protein change: p.Ala484Gly; replaces alanine 484 with glycine.
Molecular consequence: missense variant. On other transcripts: non-coding transcript variant (2).
Genome position (GRCh38, 1-based): chr11:6,394,006, C>G. VCF-style: chr11-6394006-C-G. GRCh37 (hg19) VCF-style: chr11-6415236-C-G.
Other names: c.1448C>G, p.Ala483Gly (NM_001007593.3); c.1451C>G, p.Ala484Gly (NM_001318087.2); c.530C>G, p.Ala177Gly (NM_001318088.2); c.1319C>G, p.Ala440Gly (NM_001365135.2); short protein forms A177G, A440G, A483G, A484G.
Identifiers: ClinVar variation 4882619 (VCV004882619.2).

ClinVar aggregate classification (germline): Uncertain significance (1 of 4 stars; one submission).

Conditions:
Acid sphingomyelinase deficiency. Identifiers: Orphanet 618899, MedGen C5243927, MONDO:0100464.

Submission:

Dasa
Classification: Uncertain significance for Acid sphingomyelinase deficiency. Last evaluated: 2025-12-04. Review status: criteria provided, single submitter. Criteria: DASA Assertion Criteria. Collection method: clinical testing. Allele origin: germline.
Comment: NM_000543.5(SMPD1):c.1451C>G (p.Ala484Gly) is a missense variant that results in the substitution of alanine with glycine. The affected residue or protein region has prior evidence supporting clinical relevance. This variant is absent from population databases. The currently available literature and clinical evidence are not sufficient to establish a definitive association between this variant and the reported condition. Therefore, this variant is classified as a variant of uncertain significance.